The following is an entry in ClinVar:

NM_001081550.2(THOC2):c.3058-6C>A

Gene: THOC2 (THO complex subunit 2; minus strand). Cytogenetic location: Xq25.
Variant type: single nucleotide variant.
Coding change: c.3058-6C>A on transcript NM_001081550.2 (MANE Select); 6 bases into the intron before coding-DNA position 3058, C replaced by A.
Molecular consequence: intron variant.
Genome position (GRCh38, 1-based): chrX:123,624,675, G>T on the plus strand (C>A on the coding strand, the complement: THOC2 is on the minus strand). VCF-style: chrX-123624675-G-T. GRCh37 (hg19) VCF-style: chrX-122758526-G-T.
Identifiers: ClinVar variation 1307534 (VCV001307534.3), dbSNP rs1316746922, ClinGen allele CA644254766.
Genomic context (GRCh38, chrX:123,624,675, plus strand): 5'-GACTGGCTTCATTTTCAGTACAGCTTGCAACTGTGTAAATTATGTCAGAGAAAACCTACA[G>T]GAGAAAAATGTTTAAAAAATATAAACAAATCAAGGTCAAAATCAGTTAAAAATATTAGAA-3'

ClinVar aggregate classification (germline): Uncertain significance (1 of 4 stars; one submission).

Allele frequency attached by ClinVar (database versions not stated): gnomAD exomes below 0.00001; TOPMed below 0.00001; gnomAD 0.00001.
gnomAD v4.1: 5 of 1,189,768 alleles (0.00042%); highest among the groups gnomAD compares: Non-Finnish European, 0.00057%; no homozygotes.

Submission:

GeneDx
Classification: Uncertain significance. Last evaluated: 2022-01-18. Review status: criteria provided, single submitter. Criteria: GeneDx Variant Classification Process June 2021. Collection method: clinical testing. Allele origin: germline. Affected: yes.
Comment: Has not been previously published as pathogenic or benign to our knowledge